The following is an entry in ClinVar:

ClinVar aggregate classification (germline): Uncertain significance (1 of 4 stars; one submission).

Conditions:
Pyogenic arthritis-pyoderma gangrenosum-acne syndrome (PAPA). Also called: PAPA SYNDROME; FAMILIAL RECURRENT ARTHRITIS. Identifiers: Orphanet 69126, MedGen C1858361, MONDO:0011462, OMIM 604416.

Allele frequency attached by ClinVar (database versions not stated): gnomAD exomes below 0.00001; TOPMed 0.00001.
gnomAD v4.1: 1 of 1,612,596 alleles (0.000062%); highest among the groups gnomAD compares: Non-Finnish European, 0.000085%; no homozygotes.

Submission:

Labcorp Genetics (formerly Invitae), Labcorp
Classification: Uncertain significance for Pyogenic arthritis-pyoderma gangrenosum-acne syndrome. Last evaluated: 2025-04-29. Review status: criteria provided, single submitter. Criteria: Invitae Variant Classification Sherloc (09022015). Collection method: clinical testing. Allele origin: germline.
Comment: This sequence change replaces glutamic acid, which is acidic and polar, with lysine, which is basic and polar, at codon 199 of the PSTPIP1 protein (p.Glu199Lys). This variant is present in population databases (no rsID available, gnomAD 0.0009%). This variant has not been reported in the literature in individuals affected with PSTPIP1-related conditions. ClinVar contains an entry for this variant (Variation ID: 968351). Invitae Evidence Modeling of protein sequence and biophysical properties (such as structural, functional, and spatial information, amino acid conservation, physicochemical variation, residue mobility, and thermodynamic stability) indicates that this missense variant is not expected to disrupt PSTPIP1 protein function with a negative predictive value of 80%. In summary, the available evidence is currently insufficient to determine the role of this variant in disease. Therefore, it has been classified as a Variant of Uncertain Significance.

NM_003978.5(PSTPIP1):c.595G>A (p.Glu199Lys)

Gene: PSTPIP1 (proline-serine-threonine phosphatase interacting protein 1; plus strand). Cytogenetic location: 15q24.3.
Variant type: single nucleotide variant.
Coding change: c.595G>A on transcript NM_003978.5 (MANE Select); coding-DNA position 595, G replaced by A.
Protein change: p.Glu199Lys; replaces glutamic acid 199 with lysine.
Molecular consequence: missense variant.
Genome position (GRCh38, 1-based): chr15:77,030,534, G>A. VCF-style: chr15-77030534-G-A. GRCh37 (hg19) VCF-style: chr15-77322875-G-A.
Other names: c.595G>A, p.Glu199Lys (NM_001321135.2); c.568G>A, p.Glu190Lys (NM_001321136.2); c.790G>A, p.Glu264Lys (NM_001321137.1); short protein forms E199K, E190K, E264K.
Identifiers: ClinVar variation 968351 (VCV000968351.9), dbSNP rs1430542503, ClinGen allele CA393520690.